The following is an entry in ClinVar:

NM_015346.4(ZFYVE26):c.2625del (p.Glu875_Val876insTer)

Gene: ZFYVE26 (zinc finger FYVE-type containing 26; minus strand). Cytogenetic location: 14q24.1.
Variant type: Deletion.
Coding change: c.2625del on transcript NM_015346.4 (MANE Select); coding-DNA position 2625, one base deleted (A; older notation c.2625delA).
Protein change: p.Glu875_Val876insTer.
Molecular consequence: frameshift variant.
Genome position (GRCh38, 1-based): chr14:67,790,702, T deleted on the plus strand (A on the coding strand, the reverse complement: ZFYVE26 is on the minus strand); the first of 2 consecutive T bases (chr14:67,790,702-67,790,703); deleting either gives the same sequence. VCF-style (leftmost placement, unchanged base first): chr14-67790701-CT-C. GRCh37 (hg19) VCF-style: chr14-68257418-CT-C.
Identifiers: ClinVar variation 553921 (VCV000553921.6), dbSNP rs1555398241, ClinGen allele CA658824226.

ClinVar aggregate classification (germline): Pathogenic/Likely pathogenic. Review status: criteria provided, multiple submitters, no conflicts (2 of 4 stars). 3 submissions from 3 submitters: Pathogenic (1); Likely pathogenic (1). 1 of the submissions does not count toward it. Last evaluated 2024-03-21.

Conditions:
Spastic paraplegia. Identifiers: MedGen C0037772, HP:0001258.
Hereditary spastic paraplegia 15 (SPG15). Also called: SPASTIC PARAPLEGIA 15, AUTOSOMAL RECESSIVE; KJELLIN SYNDROME; SPASTIC PARAPLEGIA AND RETINAL DEGENERATION. Identifiers: Orphanet 100996, MedGen C1849128, MONDO:0010044, OMIM 270700.

Submissions (3):

Fulgent Genetics
Classification: Likely pathogenic for Hereditary spastic paraplegia 15. Last evaluated: 2024-03-21. Review status: criteria provided, single submitter. Criteria: ACMG Guidelines, 2015. Collection method: clinical testing. Allele origin: germline.

Labcorp Genetics (formerly Invitae), Labcorp
Classification: Pathogenic for Spastic paraplegia. Last evaluated: 2023-06-27. Review status: criteria provided, single submitter. Criteria: Invitae Variant Classification Sherloc (09022015). Collection method: clinical testing. Allele origin: germline.
Comment: For these reasons, this variant has been classified as Pathogenic. ClinVar contains an entry for this variant (Variation ID: 553921). This variant has not been reported in the literature in individuals affected with ZFYVE26-related conditions. This variant is not present in population databases (gnomAD no frequency). This sequence change creates a premature translational stop signal (p.Val876*) in the ZFYVE26 gene. It is expected to result in an absent or disrupted protein product. Loss-of-function variants in ZFYVE26 are known to be pathogenic (PMID: 18394578, 19805727).

Counsyl
Classification: Likely pathogenic for Hereditary spastic paraplegia 15. Last evaluated: 2017-09-20. Review status: no assertion criteria provided. Collection method: clinical testing. Allele origin: unknown. Not counted in ClinVar's aggregate classification.

Literature cited by the submitters: PubMed 18394578 (cited by Labcorp Genetics (formerly Invitae), Labcorp); PubMed 19805727 (cited by Labcorp Genetics (formerly Invitae), Labcorp).